The following is an entry in ClinVar:

NM_001148.6(ANK2):c.7828G>C (p.Asp2610His)

Genes: ANK2 (ankyrin 2; plus strand), LOC126807137 (CDK7 strongly-dependent group 2 enhancer GRCh37_chr4:114276560-114277759; plus strand). Cytogenetic location: 4q26.
Variant type: single nucleotide variant.
Coding change: c.7828G>C on transcript NM_001148.6 (MANE Select); coding-DNA position 7828, G replaced by C.
Protein change: p.Asp2610His; replaces aspartic acid 2610 with histidine.
Molecular consequence: missense variant. On other transcripts: intron variant (68).
Genome position (GRCh38, 1-based): chr4:113,356,446, G>C. VCF-style: chr4-113356446-G-C. GRCh37 (hg19) VCF-style: chr4-114277602-G-C.
Other names: c.7594G>C, p.Asp2532His (NM_001386142.1); c.4228G>C, p.Asp1410His (NM_001386166.1); c.7969G>C, p.Asp2657His (NM_001386174.1); c.7945G>C, p.Asp2649His (NM_001386175.1); c.4412-4377G>C (NM_001386186.2, NM_001386148.2); c.4214-4377G>C (NM_001354269.3); c.4292-4377G>C (NM_001386187.2); c.4253-4377G>C (NM_001386147.1); and 35 more; short protein forms D1410H, D2532H, D2610H, D2649H, D2657H.
Identifiers: ClinVar variation 1052742 (VCV001052742.5), dbSNP rs767768290, ClinGen allele CA357932254.

ClinVar aggregate classification (germline): Uncertain significance (1 of 4 stars; one submission).

Conditions:
Long QT syndrome (LQTS). Identifiers: MedGen C0023976, MeSH D008133, MONDO:0002442. Disease mechanism: loss of function. Inheritance: Various modes of inheritance.

gnomAD v4.1: 1 of 1,614,042 alleles (0.000062%); highest among the groups gnomAD compares: Non-Finnish European, 0.000085%; no homozygotes.

Submission:

Labcorp Genetics (formerly Invitae), Labcorp
Classification: Uncertain significance for Long QT syndrome. Last evaluated: 2022-03-19. Review status: criteria provided, single submitter. Criteria: Invitae Variant Classification Sherloc (09022015). Collection method: clinical testing. Allele origin: germline.
Comment: This variant has not been reported in the literature in individuals affected with ANK2-related conditions. This sequence change replaces aspartic acid, which is acidic and polar, with histidine, which is basic and polar, at codon 2610 of the ANK2 protein (p.Asp2610His). This variant is present in population databases (no rsID available, gnomAD 0.0009%). ClinVar contains an entry for this variant (Variation ID: 1052742). Algorithms developed to predict the effect of missense changes on protein structure and function are either unavailable or do not agree on the potential impact of this missense change (SIFT: "Deleterious"; PolyPhen-2: "Probably Damaging"; Align-GVGD: "Class C0"). In summary, the available evidence is currently insufficient to determine the role of this variant in disease. Therefore, it has been classified as a Variant of Uncertain Significance.